The following is an entry in ClinVar:

ClinVar aggregate classification (germline): Pathogenic (1 of 4 stars; one submission).

Conditions:
Osteogenesis imperfecta type I (OI1). Also called: OI, TYPE I; OSTEOGENESIS IMPERFECTA TARDA; OSTEOGENESIS IMPERFECTA WITH BLUE SCLERAE; Osteogenesis imperfecta type 1; Lobstein's Disease; Lobstein disease. Identifiers: Orphanet 216796, Orphanet 666, MedGen C0023931, MONDO:0008146, OMIM 166200. Disease mechanism: loss of function.

Submission:

Labcorp Genetics (formerly Invitae), Labcorp
Classification: Pathogenic for Osteogenesis imperfecta type I. Last evaluated: 2024-04-12. Review status: criteria provided, single submitter. Criteria: Invitae Variant Classification Sherloc (09022015). Collection method: clinical testing. Allele origin: germline.
Comment: This sequence change affects a donor splice site in intron 17 of the COL1A1 gene. It is expected to disrupt RNA splicing. Variants that disrupt the donor or acceptor splice site typically lead to a loss of protein function (PMID: 16199547), and loss-of-function variants in COL1A1 are known to be pathogenic (PMID: 7942841, 9295084, 9443882). This variant is not present in population databases (gnomAD no frequency). Disruption of this splice site has been observed in individual(s) with osteogenesis imperfecta (PMID: 28116328, 30715774, 30886339). Algorithms developed to predict the effect of sequence changes on RNA splicing suggest that this variant may disrupt the consensus splice site. For these reasons, this variant has been classified as Pathogenic.

Literature cited by the submitters: PubMed 16199547; PubMed 7942841; PubMed 9295084; PubMed 9443882; PubMed 28116328; PubMed 30715774; PubMed 30886339.

NM_000088.4(COL1A1):c.1155+1G>A

Gene: COL1A1 (collagen type I alpha 1 chain; minus strand). Cytogenetic location: 17q21.33.
Variant type: single nucleotide variant.
Coding change: c.1155+1G>A on transcript NM_000088.4 (MANE Select); the canonical splice donor site of the intron after coding-DNA position 1155, G replaced by A.
Molecular consequence: splice donor variant.
Genome position (GRCh38, 1-based): chr17:50,195,566, C>T on the plus strand (G>A on the coding strand, the complement: COL1A1 is on the minus strand). VCF-style: chr17-50195566-C-T. GRCh37 (hg19) VCF-style: chr17-48272927-C-T.
Identifiers: ClinVar variation 3722879 (VCV003722879.2).